The following is an entry in ClinVar:

ClinVar aggregate classification (germline): Conflicting classifications of pathogenicity. Review status: criteria provided, conflicting classifications (1 of 4 stars). 3 submissions from 3 submitters: Uncertain significance (2); Likely benign (1). Last evaluated 2024-10-13.

Conditions:
Autosomal recessive ataxia, Beauce type. Also called: Spinocerebellar ataxia, autosomal recessive 8; ATAXIA, RECESSIVE, OF BEAUCE; SYNE1 Deficiency; SYNE1-Related Autosomal Recessive Cerebellar Ataxia. Identifiers: Orphanet 88644, MedGen C1853116, MONDO:0012549, OMIM 610743.
Emery-Dreifuss muscular dystrophy 4, autosomal dominant (EDMD4). Also called: EMERY-DREIFUSS MUSCULAR DYSTROPHY 4 WITH VARIABLE FEATURES. Identifiers: Orphanet 261, MedGen C2751807, MONDO:0013071, OMIM 612998.

Allele frequency attached by ClinVar (database versions not stated): gnomAD exomes 0.00001 and 0.00006; ExAC 0.00002; gnomAD 0.00005; ESP Exome Variant Server 0.00008; TOPMed 0.00009.
gnomAD v4.1: 24 of 1,612,482 alleles (0.0015%); highest among the groups gnomAD compares: Admixed American, 0.028%; no homozygotes.

Submissions (3):

Labcorp Genetics (formerly Invitae), Labcorp
Classification: Likely benign for Emery-Dreifuss muscular dystrophy 4, autosomal dominant; Autosomal recessive ataxia, Beauce type. Last evaluated: 2024-10-13. Review status: criteria provided, single submitter. Criteria: Invitae Variant Classification Sherloc (09022015). Collection method: clinical testing. Allele origin: germline.

Athena Diagnostics
Classification: Uncertain significance. Last evaluated: 2024-05-22. Review status: criteria provided, single submitter. Criteria: Athena Diagnostics Criteria. Collection method: clinical testing. Allele origin: unknown.
Comment: Available data are insufficient to determine the clinical significance of the variant at this time. The frequency of this variant in the general population is uninformative in assessment of its pathogenicity. Computational tools yielded predictions that this variant is unlikely to have an effect on normal RNA splicing.

Eurofins Ntd Llc (ga)
Classification: Uncertain significance. Last evaluated: 2016-02-24. Review status: criteria provided, single submitter. Criteria: EGL Classification Definitions 2015. Collection method: clinical testing. Allele origin: germline. Observed: 1 variant allele, 1 heterozygote.

NM_182961.4(SYNE1):c.310-459A>G

Gene: SYNE1 (spectrin repeat containing nuclear envelope protein 1; minus strand). Cytogenetic location: 6q25.2.
Variant type: single nucleotide variant.
Coding change: c.310-459A>G on transcript NM_182961.4 (MANE Select); 459 bases into the intron before coding-DNA position 310, A replaced by G.
Molecular consequence: intron variant.
Genome position (GRCh38, 1-based): chr6:152,511,562, T>C on the plus strand (A>G on the coding strand, the complement: SYNE1 is on the minus strand). VCF-style: chr6-152511562-T-C. GRCh37 (hg19) VCF-style: chr6-152832697-T-C.
Other names: c.330+9A>G (NM_033071.5, NM_033071.2).
Identifiers: ClinVar variation 286476 (VCV000286476.13), dbSNP rs371580053, ClinGen allele CA4059781.